The following is an entry in ClinVar:

ClinVar aggregate classification (germline): Uncertain significance (1 of 4 stars; one submission).

Conditions:
Benign neonatal seizures. Also called: Convulsions benign familial neonatal dominant form; Autosomal dominant form of benign neonatal seizures; Benign familial neonatal epilepsy; Benign familial neonatal seizures; Benign neonatal familial convulsions. Identifiers: Orphanet 1949, MedGen C0220669, MONDO:0016027.

Submission:

Labcorp Genetics (formerly Invitae), Labcorp
Classification: Uncertain significance for Benign neonatal seizures. Last evaluated: 2023-01-18. Review status: criteria provided, single submitter. Criteria: Invitae Variant Classification Sherloc (09022015). Collection method: clinical testing. Allele origin: germline.
Comment: This variant has not been reported in the literature in individuals affected with KCNQ3-related conditions. This variant is not present in population databases (gnomAD no frequency). This sequence change replaces lysine, which is basic and polar, with glutamic acid, which is acidic and polar, at codon 661 of the KCNQ3 protein (p.Lys661Glu). In summary, the available evidence is currently insufficient to determine the role of this variant in disease. Therefore, it has been classified as a Variant of Uncertain Significance. Advanced modeling of protein sequence and biophysical properties (such as structural, functional, and spatial information, amino acid conservation, physicochemical variation, residue mobility, and thermodynamic stability) performed at Invitae indicates that this missense variant is not expected to disrupt KCNQ3 protein function.

NM_004519.4(KCNQ3):c.1981A>G (p.Lys661Glu)

Gene: KCNQ3 (potassium voltage-gated channel subfamily Q member 3; minus strand). Cytogenetic location: 8q24.22.
Variant type: single nucleotide variant.
Coding change: c.1981A>G on transcript NM_004519.4 (MANE Select); coding-DNA position 1981, A replaced by G.
Protein change: p.Lys661Glu; replaces lysine 661 with glutamic acid.
Molecular consequence: missense variant.
Genome position (GRCh38, 1-based): chr8:132,129,900, T>C on the plus strand (A>G on the coding strand, the complement: KCNQ3 is on the minus strand). VCF-style: chr8-132129900-T-C. GRCh37 (hg19) VCF-style: chr8-133142147-T-C.
Other names: c.1621A>G, p.Lys541Glu (NM_001204824.2); short protein forms K541E, K661E.
Identifiers: ClinVar variation 2829895 (VCV002829895.3), dbSNP rs2536859056, ClinGen allele CA372217202.